The following is an entry in ClinVar:

ClinVar aggregate classification (germline): Pathogenic (1 of 4 stars; one submission).

Conditions:
Familial cancer of breast. Also called: hereditary breast carcinoma; Hereditary breast cancer; BREAST CANCER, FAMILIAL. Identifiers: Orphanet 227535, MedGen C0346153, MONDO:0016419, OMIM 114480. Disease mechanism: loss of function.

Submission:

Labcorp Genetics (formerly Invitae), Labcorp
Classification: Pathogenic for Familial cancer of breast. Last evaluated: 2023-12-30. Review status: criteria provided, single submitter. Criteria: Invitae Variant Classification Sherloc (09022015). Collection method: clinical testing. Allele origin: germline.
Comment: This sequence change results in a frameshift in the PALB2 gene (p.Thr1167Tyrfs*23). While this is not anticipated to result in nonsense mediated decay, it is expected to disrupt the last 20 amino acid(s) of the PALB2 protein and extend the protein by 2 additional amino acid residues. This variant is not present in population databases (gnomAD no frequency). This variant has not been reported in the literature in individuals affected with PALB2-related conditions. ClinVar contains an entry for this variant (Variation ID: 1075167). This variant disrupts a region of the PALB2 protein in which other variant(s) (p.Tyr1183*) have been determined to be pathogenic (PMID: 17200671, 20927582, 26283626, 26296701). This suggests that this is a clinically significant region of the protein, and that variants that disrupt it are likely to be disease-causing. For these reasons, this variant has been classified as Pathogenic.

Literature cited by the submitters: PubMed 17200671; PubMed 20927582; PubMed 26283626; PubMed 26296701.

NM_024675.4(PALB2):c.3494dup (p.Thr1167fs)

Gene: PALB2 (partner and localizer of BRCA2; minus strand). Cytogenetic location: 16p12.2.
Variant type: Duplication.
Coding change: c.3494dup on transcript NM_024675.4 (MANE Select); coding-DNA position 3494, one base duplicated (C; older notation c.3494dupC).
Protein change: p.Thr1167fs; shifts the reading frame from threonine 1167.
Molecular consequence: frameshift variant.
Genome position (GRCh38, 1-based): chr16:23,603,526, G duplicated on the plus strand (C on the coding strand, the reverse complement: PALB2 is on the minus strand). VCF-style (leftmost placement, unchanged base first): chr16-23603525-C-CG. GRCh37 (hg19) VCF-style: chr16-23614846-C-CG.
Other names: short protein forms T1167fs.
Identifiers: ClinVar variation 1075167 (VCV001075167.10), dbSNP rs2142252484, ClinGen allele CA2499223398.